The following is an entry in ClinVar:

NM_001267550.2(TTN):c.6322G>T (p.Glu2108Ter)

Gene: TTN (titin; minus strand). Cytogenetic location: 2q31.2.
Variant type: single nucleotide variant.
Coding change: c.6322G>T on transcript NM_001267550.2 (MANE Select); coding-DNA position 6322, G replaced by T.
Protein change: p.Glu2108Ter; replaces glutamic acid 2108 with a stop codon.
Molecular consequence: nonsense.
Genome position (GRCh38, 1-based): chr2:178,775,542, C>A on the plus strand (G>T on the coding strand, the complement: TTN is on the minus strand). VCF-style: chr2-178775542-C-A. GRCh37 (hg19) VCF-style: chr2-179640269-C-A.
Other names: c.6322G>T, p.Glu2108Ter (NM_001256850.1, NM_133378.4, NM_133379.5); c.6184G>T, p.Glu2062Ter (NM_003319.4, NM_133432.3, NM_133437.4); short protein forms E2062*, E2108*.
Identifiers: ClinVar variation 3763449 (VCV003763449.2).

ClinVar aggregate classification (germline): Likely pathogenic (1 of 4 stars; one submission).

Conditions:
Autosomal recessive limb-girdle muscular dystrophy type 2J (LGMDR10). Also called: Limb-girdle muscular dystrophy, type 2J; MUSCULAR DYSTROPHY, LIMB-GIRDLE, AUTOSOMAL RECESSIVE 10. Identifiers: Orphanet 140922, MedGen C1837342, MONDO:0012127, OMIM 608807.
Dilated cardiomyopathy 1G (CMD1G). Identifiers: Orphanet 154, MedGen C1858763, MONDO:0011400, OMIM 604145.

gnomAD v4.1: 3 of 1,613,930 alleles (0.00019%); highest among the groups gnomAD compares: South Asian, 0.0011%; no homozygotes.

Submission:

Labcorp Genetics (formerly Invitae), Labcorp
Classification: Likely pathogenic for Dilated cardiomyopathy 1G; Autosomal recessive limb-girdle muscular dystrophy type 2J. Last evaluated: 2024-06-23. Review status: criteria provided, single submitter. Criteria: Invitae Variant Classification Sherloc (09022015). Collection method: clinical testing. Allele origin: germline.
Comment: This sequence change creates a premature translational stop signal (p.Glu2108*) in the TTN gene. While this is not anticipated to result in nonsense mediated decay, it is expected to create a truncated TTN protein. This variant is not present in population databases (gnomAD no frequency). This premature translational stop signal has been observed in individual(s) with dilated cardiomyopathy (PMID: 31983221, 37652022). This variant is located in the Z band of TTN (PMID: 25589632). Truncating variants in this region have been reported in individuals affected with autosomal recessive centronuclear myopathy (PMID: 33449170, Invitae internal data). Truncating variants in this region have also been identified in individuals affected with autosomal dominant dilated cardiomyopathy and/or cardio-related conditions (PMID: 27869827, 32964742, Invitae internal data). In summary, the currently available evidence indicates that the variant is pathogenic, but additional data are needed to prove that conclusively. Therefore, this variant has been classified as Likely Pathogenic.

Literature cited by the submitters: PubMed 31983221; PubMed 37652022; PubMed 25589632; PubMed 33449170; PubMed 27869827; PubMed 32964742.